The following is an entry in ClinVar:

NM_000092.5(COL4A4):c.2620C>A (p.Leu874Ile)

Gene: COL4A4 (collagen type IV alpha 4 chain; minus strand). Cytogenetic location: 2q36.3.
Variant type: single nucleotide variant.
Coding change: c.2620C>A on transcript NM_000092.5 (MANE Select); coding-DNA position 2620, C replaced by A.
Protein change: p.Leu874Ile; replaces leucine 874 with isoleucine.
Molecular consequence: missense variant.
Genome position (GRCh38, 1-based): chr2:227,056,041, G>T on the plus strand (C>A on the coding strand, the complement: COL4A4 is on the minus strand). VCF-style: chr2-227056041-G-T. GRCh37 (hg19) VCF-style: chr2-227920757-G-T.
Other names: short protein forms L874I.
Identifiers: ClinVar variation 3585828 (VCV003585828.3).

ClinVar aggregate classification (germline): Uncertain significance. Review status: criteria provided, multiple submitters, no conflicts (2 of 4 stars). 3 submissions from 3 submitters: Uncertain significance (3). Last evaluated 2025-10-14.

Conditions:
Inborn genetic diseases. Identifiers: MedGen C0950123, MeSH D030342.
Autosomal recessive Alport syndrome (ATS2). Also called: Alport syndrome type 2; COL4A3-Related Nephropathy; COL4A4 Alport Syndrome and Thin Basement Membrane Nephropathy; ALPORT SYNDROME 2, AUTOSOMAL RECESSIVE. Identifiers: Orphanet 63, Orphanet 88919, MedGen C4746745, MONDO:0008762, OMIM 203780.
Hematuria, benign familial, 1 (BFH1). Also called: THIN MEMBRANE NEPHROPATHY. Identifiers: MedGen CN376803, MONDO:0007709, OMIM 141200.

gnomAD v4.1: 11 of 1,613,854 alleles (0.00068%); highest among the groups gnomAD compares: Non-Finnish European, 0.00093%; no homozygotes.

Submissions (3):

Labcorp Genetics (formerly Invitae), Labcorp
Classification: Uncertain significance. Last evaluated: 2025-10-14. Review status: criteria provided, single submitter. Criteria: Invitae Variant Classification Sherloc (09022015). Collection method: clinical testing. Allele origin: germline.
Comment: This sequence change replaces leucine, which is neutral and non-polar, with isoleucine, which is neutral and non-polar, at codon 874 of the COL4A4 protein (p.Leu874Ile). This variant is present in population databases (no rsID available, gnomAD 0.0009%). This variant has not been reported in the literature in individuals affected with COL4A4-related conditions. ClinVar contains an entry for this variant (Variation ID: 3585828). Invitae Evidence Modeling of protein sequence and biophysical properties (such as structural, functional, and spatial information, amino acid conservation, physicochemical variation, residue mobility, and thermodynamic stability) indicates that this missense variant is not expected to disrupt COL4A4 protein function with a negative predictive value of 95%. In summary, the available evidence is currently insufficient to determine the role of this variant in disease. Therefore, it has been classified as a Variant of Uncertain Significance.

Ambry Genetics
Classification: Uncertain significance for Inborn genetic diseases. Last evaluated: 2025-08-05. Review status: criteria provided, single submitter. Criteria: Ambry Variant Classification Scheme 2023. Collection method: clinical testing. Allele origin: germline.

Fulgent Genetics
Classification: Uncertain significance for Hematuria, benign familial, 1; Autosomal recessive Alport syndrome. Last evaluated: 2024-01-03. Review status: criteria provided, single submitter. Criteria: ACMG Guidelines, 2015. Collection method: clinical testing. Allele origin: germline.